The following is an entry in ClinVar:

NM_001098426.2(SMARCD2):c.686C>T (p.Ser229Phe)

Gene: SMARCD2 (SWI/SNF related BAF chromatin remodeling complex subunit D2; minus strand). Cytogenetic location: 17q23.3.
Variant type: single nucleotide variant.
Coding change: c.686C>T on transcript NM_001098426.2 (MANE Select); coding-DNA position 686, C replaced by T.
Protein change: p.Ser229Phe; replaces serine 229 with phenylalanine.
Molecular consequence: missense variant.
Genome position (GRCh38, 1-based): chr17:63,835,449, G>A on the plus strand (C>T on the coding strand, the complement: SMARCD2 is on the minus strand). VCF-style: chr17-63835449-G-A. GRCh37 (hg19) VCF-style: chr17-61912809-G-A.
Other names: c.461C>T, p.Ser154Phe (NM_001330439.1); c.542C>T, p.Ser181Phe (NM_001330440.2); short protein forms S181F, S229F, S154F.
Identifiers: ClinVar variation 1411894 (VCV001411894.6), dbSNP rs780529781, ClinGen allele CA8706420.

ClinVar aggregate classification (germline): Uncertain significance (1 of 4 stars; one submission).

Allele frequency attached by ClinVar (database versions not stated): gnomAD exomes below 0.00001 and 0.00001; ExAC 0.00001.

Submission:

Labcorp Genetics (formerly Invitae), Labcorp
Classification: Uncertain significance. Last evaluated: 2021-11-19. Review status: criteria provided, single submitter. Criteria: Invitae Variant Classification Sherloc (09022015). Collection method: clinical testing. Allele origin: germline.
Comment: In summary, the available evidence is currently insufficient to determine the role of this variant in disease. Therefore, it has been classified as a Variant of Uncertain Significance. Algorithms developed to predict the effect of missense changes on protein structure and function are either unavailable or do not agree on the potential impact of this missense change (SIFT: "Deleterious"; PolyPhen-2: "Probably Damaging"; Align-GVGD: "Class C0"). This variant has not been reported in the literature in individuals affected with SMARCD2-related conditions. This variant is present in population databases (rs780529781, gnomAD 0.006%). This sequence change replaces serine, which is neutral and polar, with phenylalanine, which is neutral and non-polar, at codon 229 of the SMARCD2 protein (p.Ser229Phe).